The following is an entry in ClinVar:

ClinVar aggregate classification (germline): Likely pathogenic (1 of 4 stars; one submission).

Conditions:
Tooth agenesis, selective, 1. Also called: HYPODONTIA/OLIGODONTIA 1; SECOND PREMOLARS AND THIRD MOLARS, ABSENCE OF. Identifiers: Orphanet 99798, MedGen C3489529, MONDO:0007129, OMIM 106600. Disease mechanism: loss of function.

Submission:

Center of Excellence in Precision Medicine and Digital Health (CEPMDH), Faculty of Dentistry, Chulalongkorn University
Classification: Likely pathogenic for Tooth agenesis, selective, 1. Last evaluated: 2025-12-01. Review status: criteria provided, single submitter. Criteria: ACMG Guidelines, 2015. Collection method: research. Allele origin: germline. Inheritance: Autosomal dominant inheritance. Affected: yes. Observed: 1 variant allele, 1 heterozygote.
Comment: The variant is classified as likely pathogenic according to the ACMG criteria (PM2 PM4 PM6 PP3)

NM_002448.3(MSX1):c.691C>T (p.Gln231Ter)

Gene: MSX1 (msh homeobox 1; plus strand). Cytogenetic location: 4p16.2.
Variant type: single nucleotide variant.
Coding change: c.691C>T on transcript NM_002448.3 (MANE Select); coding-DNA position 691, C replaced by T.
Protein change: p.Gln231Ter; replaces glutamine 231 with a stop codon.
Molecular consequence: nonsense.
Genome position (GRCh38, 1-based): chr4:4,862,922, C>T. VCF-style: chr4-4862922-C-T. GRCh37 (hg19) VCF-style: chr4-4864649-C-T.
Other names: short protein forms Q231*.
Identifiers: ClinVar variation 4974540 (VCV004974540.1).
Genomic context (GRCh38, chr4:4,862,922, plus strand): 5'-CTCACTGAGACGCAGGTGAAGATATGGTTCCAGAACCGCCGCGCCAAGGCAAAGAGACTA[C>T]AAGAGGCAGAGCTGGAGAAGCTGAAGATGGCCGCCAAGCCCATGCTGCCACCGGCTGCCT-3'